The following is an entry in ClinVar:

ClinVar aggregate classification (germline): Benign/Likely benign. Review status: criteria provided, multiple submitters, no conflicts (2 of 4 stars). 13 submissions from 12 submitters: Benign (7); Likely benign (5). 1 of the submissions does not count toward it. Last evaluated 2026-03-01.

Conditions:
Fanconi renotubular syndrome 4 with maturity-onset diabetes of the young (FRTS4). Also called: FRTS4 WITH MODY. Identifiers: Orphanet 93111, MedGen C4014962, MONDO:0014458, OMIM 616026.
Type 2 diabetes mellitus. Also called: Type II diabetes mellitus. Identifiers: MedGen C0011860, MeSH D003924, MONDO:0005148, OMIM 125853, HP:0005978.
Maturity-onset diabetes of the young type 1. Also called: MILD JUVENILE DIABETES MELLITUS; MODY type 1; Diabetes mellitus MODY type 1; MODY HNF4A related; HNF4A-Related Maturity-Onset Diabetes of the Young Type 1; MODY, type I. Identifiers: Orphanet 552, MedGen C1852093, MONDO:0007452, OMIM 125850. Disease mechanism: loss of function.
Maturity-onset diabetes of the young (MODY). Also called: Maturity onset diabetes mellitus in young. Identifiers: Orphanet 552, MedGen C0342276, MONDO:0018911, HP:0004904.
Familial hyperinsulinism. Also called: Congenital hyperinsulinism. Identifiers: Orphanet 276525, MedGen C3888018, MONDO:0017182. Disease mechanism: loss of function.

Allele frequency attached by ClinVar (database versions not stated): gnomAD exomes 0.00039 and 0.00100; ExAC 0.00118; 1000 Genomes Project 0.00319; 1000 Genomes Project 30x 0.00328; gnomAD 0.00386 and 0.00425; TOPMed 0.00482; ESP Exome Variant Server 0.00492.
gnomAD v4.1: 1,169 of 1,610,876 alleles (0.073%); highest among the groups gnomAD compares: African/African-American, 1.5%; 5 homozygotes.

Submissions (13):

CeGaT Center for Human Genetics Tuebingen
Classification: Likely benign. Last evaluated: 2026-03-01. Review status: criteria provided, single submitter. Criteria: CeGaT Center For Human Genetics Tuebingen Variant Classification Criteria Version 2. Collection method: clinical testing. Allele origin: germline. Affected: yes. Observed: 3 variant alleles.
Comment: HNF4A: BP4, BP7, BS1

Labcorp Genetics (formerly Invitae), Labcorp
Classification: Benign. Last evaluated: 2025-10-12. Review status: criteria provided, single submitter. Criteria: Invitae Variant Classification Sherloc (09022015). Collection method: clinical testing. Allele origin: germline.

Blueprint Genetics
Classification: Likely benign. Last evaluated: 2024-10-02. Review status: criteria provided, single submitter. Criteria: ACMG Guidelines, 2015. Collection method: clinical testing. Allele origin: germline.

Fulgent Genetics
Classification: Likely benign for Maturity-onset diabetes of the young type 1; Type 2 diabetes mellitus; Fanconi renotubular syndrome 4 with maturity-onset diabetes of the young. Last evaluated: 2021-12-06. Review status: criteria provided, single submitter. Criteria: ACMG Guidelines, 2015. Collection method: clinical testing. Allele origin: unknown.

Athena Diagnostics
Classification: Benign. Last evaluated: 2019-04-03. Review status: criteria provided, single submitter. Criteria: Athena Diagnostics Criteria. Collection method: clinical testing. Allele origin: germline.

Illumina Laboratory Services, Illumina
Classification: Benign for Familial hyperinsulinism. Last evaluated: 2017-04-28. Review status: criteria provided, single submitter. Criteria: ICSL Variant Classification Criteria 13 December 2019. Collection method: clinical testing. Allele origin: germline.
Comment: This variant was observed as part of a predisposition screen in an ostensibly healthy population. A literature search was performed for the gene, cDNA change, and amino acid change (where applicable). Publications were found based on this search. The evidence from the literature, in combination with allele frequency data from public databases where available, was sufficient to rule this variant out of causing disease. Therefore, this variant is classified as benign.

Illumina Laboratory Services, Illumina
Classification: Benign for Maturity-onset diabetes of the young type 1. Last evaluated: 2017-04-28. Review status: criteria provided, single submitter. Criteria: ICSL Variant Classification Criteria 13 December 2019. Collection method: clinical testing. Allele origin: germline.
Comment: the same text as in the submission from Illumina Laboratory Services, Illumina above.

Genetic Services Laboratory, University of Chicago
Classification: Likely benign. Last evaluated: 2015-05-22. Review status: criteria provided, single submitter. Criteria: ACMG Guidelines, 2015. Collection method: clinical testing. Allele origin: germline.

Ambry Genetics
Classification: Benign for Maturity-onset diabetes of the young. Last evaluated: 2015-02-13. Review status: criteria provided, single submitter. Criteria: Ambry Variant Classification Scheme 2023. Collection method: clinical testing. Allele origin: germline.

GeneDx
Classification: Benign. Last evaluated: 2014-03-07. Review status: criteria provided, single submitter. Criteria: GeneDx Variant Classification (06012015). Collection method: clinical testing. Allele origin: germline. Affected: yes.
Comment: This variant is considered likely benign or benign based on one or more of the following criteria: it is a conservative change, it occurs at a poorly conserved position in the protein, it is predicted to be benign by multiple in silico algorithms, and/or has population frequency not consistent with disease.

Breakthrough Genomics
Classification: Likely benign. Review status: criteria provided, single submitter. Criteria: ACMG Guidelines, 2015. Collection method: not provided. Allele origin: germline. Inheritance: Autosomal dominant inheritance. Affected: yes.

PreventionGenetics, part of Exact Sciences
Classification: Benign. Review status: criteria provided, single submitter. Criteria: ACMG Guidelines, 2015. Collection method: clinical testing. Allele origin: germline.

Women's Health and Genetics/Laboratory Corporation of America, LabCorp
No classification provided. Condition: Maturity-onset diabetes of the young, type 1. Last evaluated: 2015-10-02. Review status: no classification provided. Collection method: clinical testing. Allele origin: germline. Not counted in ClinVar's aggregate classification.

Literature cited by the submitters: PubMed 25631608 (cited by Illumina Laboratory Services, Illumina).

NM_175914.5(HNF4A):c.669A>G (p.Leu223=)

Gene: HNF4A (hepatocyte nuclear factor 4 alpha; plus strand). Cytogenetic location: 20q13.12.
Variant type: single nucleotide variant.
Coding change: c.669A>G on transcript NM_175914.5 (MANE Select); coding-DNA position 669, A replaced by G.
Protein change: p.Leu223=; no amino-acid change (leucine 223 retained).
Molecular consequence: synonymous variant.
Genome position (GRCh38, 1-based): chr20:44,418,511, A>G. VCF-style: chr20-44418511-A-G. GRCh37 (hg19) VCF-style: chr20-43047151-A-G.
Other names: p.L245L:CTA>CTG; c.669A>G, p.Leu223= (NM_001030004.3, NM_001030003.3); c.714A>G, p.Leu238= (NM_001258355.2); c.660A>G, p.Leu220= (NM_001287182.2, NM_001287183.2, NM_001287184.2); c.735A>G, p.Leu245= (NM_178849.3, NM_178850.3, NM_000457.6).
Identifiers: ClinVar variation 36357 (VCV000036357.49), dbSNP rs139591750, ClinGen allele CA205656.
Genomic context (GRCh38, chr20:44,418,511, plus strand): 5'-CGAGCACCTGCTGCTCGGAGCCACCAAGAGATCCATGGTGTTCAAGGACGTGCTGCTCCT[A>G]GGTGAGGCGGCTGCCTGCCCTGGCCAGGGCTCCAGGGAGGGTATGCCTAGCATGGCACTC-3'
Protein context (NP_787110.2, residues 213-233): RSMVFKDVLL[Leu223=]GNDYIVPRHC